The following is an entry in ClinVar:

NM_182914.3(SYNE2):c.10460A>C (p.Asn3487Thr)

Gene: SYNE2 (spectrin repeat containing nuclear envelope protein 2; plus strand). Cytogenetic location: 14q23.2.
Variant type: single nucleotide variant.
Coding change: c.10460A>C on transcript NM_182914.3 (MANE Select); coding-DNA position 10460, A replaced by C.
Protein change: p.Asn3487Thr; replaces asparagine 3487 with threonine.
Molecular consequence: missense variant.
Genome position (GRCh38, 1-based): chr14:64,070,673, A>C. VCF-style: chr14-64070673-A-C. GRCh37 (hg19) VCF-style: chr14-64537391-A-C.
Other names: c.10460A>C, p.Asn3487Thr (NM_015180.6); short protein forms N3487T.
Identifiers: ClinVar variation 1380123 (VCV001380123.8), dbSNP rs776293614, ClinGen allele CA7221529.

ClinVar aggregate classification (germline): Uncertain significance (1 of 4 stars; one submission).

Conditions:
Emery-Dreifuss muscular dystrophy 5, autosomal dominant (EDMD5). Also called: EMERY-DREIFUSS MUSCULAR DYSTROPHY 5. Identifiers: Orphanet 261, MedGen C2751805, MONDO:0013072, OMIM 612999.

Allele frequency attached by ClinVar (database versions not stated): gnomAD exomes below 0.00001 and 0.00001; ExAC 0.00001; gnomAD 0.00003; TOPMed 0.00003.
gnomAD v4.1: 10 of 1,613,608 alleles (0.00062%); highest among the groups gnomAD compares: Admixed American, 0.0067%; no homozygotes.

Submission:

Labcorp Genetics (formerly Invitae), Labcorp
Classification: Uncertain significance for Emery-Dreifuss muscular dystrophy 5, autosomal dominant. Last evaluated: 2021-05-31. Review status: criteria provided, single submitter. Criteria: Invitae Variant Classification Sherloc (09022015). Collection method: clinical testing. Allele origin: germline.
Comment: In summary, the available evidence is currently insufficient to determine the role of this variant in disease. Therefore, it has been classified as a Variant of Uncertain Significance. This sequence change replaces asparagine with threonine at codon 3487 of the SYNE2 protein (p.Asn3487Thr). The asparagine residue is weakly conserved and there is a small physicochemical difference between asparagine and threonine. This variant is present in population databases (rs776293614, ExAC 0.002%). This variant has not been reported in the literature in individuals with SYNE2-related conditions. Algorithms developed to predict the effect of missense changes on protein structure and function (SIFT, PolyPhen-2, Align-GVGD) all suggest that this variant is likely to be tolerated, but these predictions have not been confirmed by published functional studies and their clinical significance is uncertain.